The following is an entry in ClinVar:

ClinVar aggregate classification (germline): Likely pathogenic (1 of 4 stars; one submission).

Conditions:
Cerebral palsy. Identifiers: MedGen C0007789, MONDO:0006497, HP:0100021.

Allele frequency attached by ClinVar (database versions not stated): gnomAD exomes below 0.00001.

Submission:

Neurogenetics Research Program, University of Adelaide
Classification: Likely pathogenic for Cerebral palsy. Last evaluated: 2021-06-10. Review status: criteria provided, single submitter. Criteria: ACMG Guidelines, 2015. Collection method: research. Allele origin: paternal. Affected: yes. Observed: 1 variant allele.
Comment: Many pathogenic loss of function variants in ClinVar. Variable age at onset within families and incomplete penetrance reported.

NM_014874.4(MFN2):c.2220G>A (p.Trp740Ter)

Gene: MFN2 (mitofusin 2; plus strand). Cytogenetic location: 1p36.22.
Variant type: single nucleotide variant.
Coding change: c.2220G>A on transcript NM_014874.4 (MANE Select); coding-DNA position 2220, G replaced by A.
Protein change: p.Trp740Ter; replaces tryptophan 740 with a stop codon.
Molecular consequence: nonsense.
Genome position (GRCh38, 1-based): chr1:12,011,511, G>A. VCF-style: chr1-12011511-G-A. GRCh37 (hg19) VCF-style: chr1-12071568-G-A.
Other names: c.2220G>A, p.Trp740Ter (NM_001127660.2); short protein forms W740*.
Identifiers: ClinVar variation 1172816 (VCV001172816.1), dbSNP rs1060501925, ClinGen allele CA338453879.